The following is an entry in ClinVar:

NM_001845.6(COL4A1):c.2675C>T (p.Ser892Leu)

Gene: COL4A1 (collagen type IV alpha 1 chain; minus strand). Cytogenetic location: 13q34.
Variant type: single nucleotide variant.
Coding change: c.2675C>T on transcript NM_001845.6 (MANE Select); coding-DNA position 2675, C replaced by T.
Protein change: p.Ser892Leu; replaces serine 892 with leucine.
Molecular consequence: missense variant.
Genome position (GRCh38, 1-based): chr13:110,177,883, G>A on the plus strand (C>T on the coding strand, the complement: COL4A1 is on the minus strand). VCF-style: chr13-110177883-G-A. GRCh37 (hg19) VCF-style: chr13-110830230-G-A.
Other names: short protein forms S892L.
Identifiers: ClinVar variation 2972637 (VCV002972637.3), dbSNP rs747751840, ClinGen allele CA7047517.

ClinVar aggregate classification (germline): Uncertain significance (1 of 4 stars; one submission).

Allele frequency attached by ClinVar (database versions not stated): ExAC 0.00001; gnomAD exomes 0.00001.
gnomAD v4.1: 11 of 1,614,138 alleles (0.00068%); highest among the groups gnomAD compares: South Asian, 0.0011%; no homozygotes.

Submission:

Labcorp Genetics (formerly Invitae), Labcorp
Classification: Uncertain significance. Last evaluated: 2024-03-12. Review status: criteria provided, single submitter. Criteria: Invitae Variant Classification Sherloc (09022015). Collection method: clinical testing. Allele origin: germline.
Comment: This sequence change replaces serine, which is neutral and polar, with leucine, which is neutral and non-polar, at codon 892 of the COL4A1 protein (p.Ser892Leu). This variant is present in population databases (rs747751840, gnomAD 0.003%). This variant has not been reported in the literature in individuals affected with COL4A1-related conditions. An algorithm developed to predict the effect of missense changes on protein structure and function (PolyPhen-2) suggests that this variant is likely to be tolerated. In summary, the available evidence is currently insufficient to determine the role of this variant in disease. Therefore, it has been classified as a Variant of Uncertain Significance.